The following is an entry in ClinVar:

ClinVar aggregate classification (germline): Uncertain significance. Review status: criteria provided, multiple submitters, no conflicts (2 of 4 stars). 2 submissions from 2 submitters: Uncertain significance (2). Last evaluated 2019-12-22.

Conditions:
Charcot-Marie-Tooth disease type 4B2. Also called: Charcot-Marie-Tooth Neuropathy Type 4B2; CMT 4B2; CHARCOT-MARIE-TOOTH DISEASE, DEMYELINATING, TYPE 4B2; CHARCOT-MARIE-TOOTH DISEASE, WITH FOCALLY FOLDED MYELIN SHEATHS, AUTOSOMAL RECESSIVE, TYPE 4B2. Identifiers: Orphanet 99956, MedGen C1858278, MONDO:0011475, OMIM 604563.
Charcot-Marie-Tooth disease type 4. Also called: Charcot-Marie-Tooth disease, type IV; Charcot-Marie-Tooth, Type 4. Identifiers: Orphanet 64749, MedGen C4082197, MONDO:0018995.

Submissions (2):

Labcorp Genetics (formerly Invitae), Labcorp
Classification: Uncertain significance for Charcot-Marie-Tooth disease type 4. Last evaluated: 2019-12-22. Review status: criteria provided, single submitter. Criteria: Invitae Variant Classification Sherloc (09022015). Collection method: clinical testing. Allele origin: germline.
Comment: In summary, the available evidence is currently insufficient to determine the role of this variant in disease. Therefore, it has been classified as a Variant of Uncertain Significance. Algorithms developed to predict the effect of missense changes on protein structure and function are either unavailable or do not agree on the potential impact of this missense change (SIFT: "Deleterious"; PolyPhen-2: "Probably Damaging"; Align-GVGD: "Class C0"). This variant has not been reported in the literature in individuals with SBF2-related conditions. This variant is not present in population databases (ExAC no frequency). This sequence change replaces proline with threonine at codon 866 of the SBF2 protein (p.Pro866Thr). The proline residue is highly conserved and there is a small physicochemical difference between proline and threonine.

Baylor Genetics
Classification: Uncertain significance for Charcot-Marie-Tooth disease type 4B2. Last evaluated: 2018-03-21. Review status: criteria provided, single submitter. Criteria: ACMG Guidelines, 2015. Collection method: clinical testing. Allele origin: unknown. Affected: yes.
Comment: This variant was determined to be of uncertain significance according to ACMG Guidelines, 2015 [PMID:25741868].

NM_030962.4(SBF2):c.2596C>A (p.Pro866Thr)

Genes: SBF2 (SET binding factor 2; minus strand), LOC101928008 (uncharacterized LOC101928008; plus strand). Cytogenetic location: 11p15.4.
Variant type: single nucleotide variant.
Coding change: c.2596C>A on transcript NM_030962.4 (MANE Select); coding-DNA position 2596, C replaced by A.
Protein change: p.Pro866Thr; replaces proline 866 with threonine.
Molecular consequence: missense variant.
Genome position (GRCh38, 1-based): chr11:9,852,690, G>T on the plus strand (C>A on the coding strand, the complement: SBF2 is on the minus strand). VCF-style: chr11-9852690-G-T. GRCh37 (hg19) VCF-style: chr11-9874237-G-T.
Other names: c.2596C>A, p.Pro866Thr (NM_001386339.1); c.2467C>A, p.Pro823Thr (NM_001386342.1); short protein forms P866T, P823T.
Identifiers: ClinVar variation 848712 (VCV000848712.12), dbSNP rs1228676321, ClinGen allele CA379637041.